The following is an entry in ClinVar:

ClinVar aggregate classification (germline): Uncertain significance. Review status: criteria provided, multiple submitters, no conflicts (2 of 4 stars). 2 submissions from 2 submitters: Uncertain significance (2). Last evaluated 2025-09-23.

Conditions:
Inborn genetic diseases. Identifiers: MedGen C0950123, MeSH D030342.
Developmental and epileptic encephalopathy, 9 (DEE9). Also called: Early infantile epileptic encephalopathy 9; EPILEPSY, FEMALE-RESTRICTED, WITH MENTAL RETARDATION; JUBERG-HELLMAN SYNDROME; PCDH19-Related X-Linked Female-Limited Epilepsy with Mental Retardation. Identifiers: Orphanet 101039, Orphanet 2076, MedGen C1848137, MONDO:0010246, OMIM 300088. Disease mechanism: loss of function.

gnomAD v4.1: 1 of 1,212,232 alleles (0.000082%); highest among the groups gnomAD compares: South Asian, 0.0018%; no homozygotes.

Submissions (2):

Labcorp Genetics (formerly Invitae), Labcorp
Classification: Uncertain significance for Developmental and epileptic encephalopathy, 9. Last evaluated: 2025-09-23. Review status: criteria provided, single submitter. Criteria: Invitae Variant Classification Sherloc (09022015). Collection method: clinical testing. Allele origin: germline.
Comment: This sequence change replaces histidine, which is basic and polar, with tyrosine, which is neutral and polar, at codon 310 of the PCDH19 protein (p.His310Tyr). This variant is not present in population databases (gnomAD no frequency). This variant has not been reported in the literature in individuals affected with PCDH19-related conditions. Invitae Evidence Modeling of protein sequence and biophysical properties (such as structural, functional, and spatial information, amino acid conservation, physicochemical variation, residue mobility, and thermodynamic stability) indicates that this missense variant is not expected to disrupt PCDH19 protein function with a negative predictive value of 95%. In summary, the available evidence is currently insufficient to determine the role of this variant in disease. Therefore, it has been classified as a Variant of Uncertain Significance.

Ambry Genetics
Classification: Uncertain significance for Inborn genetic diseases. Last evaluated: 2025-07-12. Review status: criteria provided, single submitter. Criteria: Ambry Variant Classification Scheme 2023. Collection method: clinical testing. Allele origin: germline.

NM_001184880.2(PCDH19):c.928C>T (p.His310Tyr)

Gene: PCDH19 (protocadherin 19; minus strand). Cytogenetic location: Xq22.1.
Variant type: single nucleotide variant.
Coding change: c.928C>T on transcript NM_001184880.2 (MANE Select); coding-DNA position 928, C replaced by T.
Protein change: p.His310Tyr; replaces histidine 310 with tyrosine.
Molecular consequence: missense variant.
Genome position (GRCh38, 1-based): chrX:100,407,670, G>A on the plus strand (C>T on the coding strand, the complement: PCDH19 is on the minus strand). VCF-style: chrX-100407670-G-A. GRCh37 (hg19) VCF-style: chrX-99662668-G-A.
Other names: c.928C>T, p.His310Tyr (NM_001105243.2, NM_020766.3); short protein forms H310Y.
Identifiers: ClinVar variation 4131740 (VCV004131740.2).